The following is an entry in ClinVar:

ClinVar aggregate classification (germline): Uncertain significance (1 of 4 stars; one submission).

Conditions:
Cardiovascular phenotype. Identifiers: MedGen CN230736.

gnomAD v4.1: 2 of 1,608,482 alleles (0.00012%); highest among the groups gnomAD compares: Admixed American, 0.0033%; no homozygotes.

Submission:

Ambry Genetics
Classification: Uncertain significance for Cardiovascular phenotype. Last evaluated: 2024-09-04. Review status: criteria provided, single submitter. Criteria: Ambry Variant Classification Scheme 2023. Collection method: clinical testing. Allele origin: germline.
Comment: The p.T150N variant (also known as c.449C>A), located in coding exon 3 of the SCN10A gene, results from a C to A substitution at nucleotide position 449. The threonine at codon 150 is replaced by asparagine, an amino acid with similar properties. This amino acid position is conserved. In addition, this alteration is predicted to be tolerated by in silico analysis. Based on the available evidence, the clinical significance of this variant remains unclear.

NM_006514.4(SCN10A):c.449C>A (p.Thr150Asn)

Gene: SCN10A (sodium voltage-gated channel alpha subunit 10; minus strand). Cytogenetic location: 3p22.2.
Variant type: single nucleotide variant.
Coding change: c.449C>A on transcript NM_006514.4 (MANE Select); coding-DNA position 449, C replaced by A.
Protein change: p.Thr150Asn; replaces threonine 150 with asparagine.
Molecular consequence: missense variant.
Genome position (GRCh38, 1-based): chr3:38,788,977, G>T on the plus strand (C>A on the coding strand, the complement: SCN10A is on the minus strand). VCF-style: chr3-38788977-G-T. GRCh37 (hg19) VCF-style: chr3-38830468-G-T.
Other names: c.449C>A, p.Thr150Asn (NM_001293306.2, NM_001293307.2); short protein forms T150N.
Identifiers: ClinVar variation 3438109 (VCV003438109.1).